The following is an entry in ClinVar:

ClinVar aggregate classification (germline): Uncertain significance (1 of 4 stars; one submission).

gnomAD v4.1: 2 of 1,589,492 alleles (0.00013%); highest among the groups gnomAD compares: Non-Finnish European, 0.00017%; no homozygotes.

Submission:

CeGaT Center for Human Genetics Tuebingen
Classification: Uncertain significance. Last evaluated: 2026-07-01. Review status: criteria provided, single submitter. Criteria: CeGaT Center For Human Genetics Tuebingen Variant Classification Criteria Version 2. Collection method: clinical testing. Allele origin: germline. Affected: yes. Observed: 1 variant allele.
Comment: PIDD1: PM2

NM_145886.4(PIDD1):c.1565A>G (p.Gln522Arg)

Gene: PIDD1 (p53-induced death domain protein 1; minus strand). Cytogenetic location: 11p15.5.
Variant type: single nucleotide variant.
Coding change: c.1565A>G on transcript NM_145886.4 (MANE Select); coding-DNA position 1565, A replaced by G.
Protein change: p.Gln522Arg; replaces glutamine 522 with arginine.
Molecular consequence: missense variant.
Genome position (GRCh38, 1-based): chr11:801,283, T>C on the plus strand (A>G on the coding strand, the complement: PIDD1 is on the minus strand). VCF-style: chr11-801283-T-C. GRCh37 (hg19) VCF-style: chr11-801283-T-C.
Other names: c.1565A>G, p.Gln522Arg (NM_145887.4); short protein forms Q522R.
Identifiers: ClinVar variation 5039297 (VCV005039297.1).